The following is an entry in ClinVar:

ClinVar aggregate classification (germline): Uncertain significance (1 of 4 stars; one submission).

Conditions:
Ehlers-Danlos syndrome, classic type, 1 (EDSCL1). Also called: EDS I; Ehlers-Danlos syndrome, type 1; EHLERS-DANLOS SYNDROME, GRAVIS TYPE; EHLERS-DANLOS SYNDROME, SEVERE CLASSIC TYPE; Ehlers-Danlos Syndrome, Classic Type, COL5A1-Related. Identifiers: MedGen C0268335, MONDO:0019567, OMIM 130000.

Submission:

Labcorp Genetics (formerly Invitae), Labcorp
Classification: Uncertain significance for Ehlers-Danlos syndrome, classic type, 1. Last evaluated: 2022-10-07. Review status: criteria provided, single submitter. Criteria: Invitae Variant Classification Sherloc (09022015). Collection method: clinical testing. Allele origin: germline.
Comment: In summary, the available evidence is currently insufficient to determine the role of this variant in disease. Therefore, it has been classified as a Variant of Uncertain Significance. Algorithms developed to predict the effect of missense changes on protein structure and function are either unavailable or do not agree on the potential impact of this missense change (SIFT: "Not Available"; PolyPhen-2: "Probably Damaging"; Align-GVGD: "Not Available"). This variant has not been reported in the literature in individuals affected with COL5A1-related conditions. Information on the frequency of this variant in the gnomAD database is not available, as this variant may be reported differently in the database. This sequence change replaces glycine, which is neutral and non-polar, with glutamic acid, which is acidic and polar, at codon 469 of the COL5A1 protein (p.Gly469Glu).

NM_000093.5(COL5A1):c.1406_1407delinsAA (p.Gly469Glu)

Gene: COL5A1 (collagen type V alpha 1 chain; plus strand). Cytogenetic location: 9q34.3.
Variant type: Indel.
Coding change: c.1406_1407delinsAA on transcript NM_000093.5 (MANE Select); coding-DNA positions 1406 to 1407, GC replaced by AA.
Protein change: p.Gly469Glu; replaces glycine 469 with glutamic acid.
Molecular consequence: missense variant.
Genome position (GRCh38, 1-based): chr9:134,738,490-134,738,491, GC replaced by AA. VCF-style: chr9-134738490-GC-AA. GRCh37 (hg19) VCF-style: chr9-137630336-GC-AA.
Other names: c.1406_1407delinsAA, p.Gly469Glu (NM_001278074.1); short protein forms G469E.
Identifiers: ClinVar variation 1721135 (VCV001721135.6), dbSNP rs2490534756, ClinGen allele CA2580080000.